The following is an entry in ClinVar:

NM_003803.4(MYOM1):c.3992T>C (p.Val1331Ala)

Gene: MYOM1 (myomesin 1; minus strand). Cytogenetic location: 18p11.31.
Variant type: single nucleotide variant.
Coding change: c.3992T>C on transcript NM_003803.4 (MANE Select); coding-DNA position 3992, T replaced by C.
Protein change: p.Val1331Ala; replaces valine 1331 with alanine.
Molecular consequence: missense variant.
Genome position (GRCh38, 1-based): chr18:3,090,675, A>G on the plus strand (T>C on the coding strand, the complement: MYOM1 is on the minus strand). VCF-style: chr18-3090675-A-G. GRCh37 (hg19) VCF-style: chr18-3090673-A-G.
Other names: c.3704T>C, p.Val1235Ala (NM_019856.2); short protein forms V1331A, V1235A.
Identifiers: ClinVar variation 568316 (VCV000568316.8), dbSNP rs1567900049, ClinGen allele CA401712173.
Genomic context (GRCh38, chr18:3,090,675, plus strand): 5'-GGAGTAGCAAAGCCTGCTGGTTAATGTTCCACGGAATTCTTACCATCTCCAACGAGAACA[A>G]CAGTAGAATGGTTAGTTGCTTTTCCATCTTGAAGCTGGAAAGTGTACGTTCCCTCATCCT-3'
Protein context (NP_003794.3, residues 1321-1341): QDGKATNHST[Val1331Ala]VLVGDVFKKL

ClinVar aggregate classification (germline): Uncertain significance (1 of 4 stars; one submission).

Conditions:
Hypertrophic cardiomyopathy. Also called: HYPERTROPHIC MYOCARDIOPATHY. Identifiers: Orphanet 217569, MedGen C0007194, MeSH D002312, MONDO:0005045, HP:0001639.

Allele frequency attached by ClinVar (database versions not stated): TOPMed below 0.00001; gnomAD exomes 0.00001.
gnomAD v4.1: 8 of 1,613,964 alleles (0.0005%); highest among the groups gnomAD compares: Non-Finnish European, 0.00068%; no homozygotes.

Submission:

Labcorp Genetics (formerly Invitae), Labcorp
Classification: Uncertain significance for Hypertrophic cardiomyopathy. Last evaluated: 2025-07-27. Review status: criteria provided, single submitter. Criteria: Invitae Variant Classification Sherloc (09022015). Collection method: clinical testing. Allele origin: germline.
Comment: This sequence change replaces valine, which is neutral and non-polar, with alanine, which is neutral and non-polar, at codon 1331 of the MYOM1 protein (p.Val1331Ala). This variant is not present in population databases (gnomAD no frequency). This variant has not been reported in the literature in individuals affected with MYOM1-related conditions. ClinVar contains an entry for this variant (Variation ID: 568316). Invitae Evidence Modeling of protein sequence and biophysical properties (such as structural, functional, and spatial information, amino acid conservation, physicochemical variation, residue mobility, and thermodynamic stability) indicates that this missense variant is not expected to disrupt MYOM1 protein function with a negative predictive value of 80%. In summary, the available evidence is currently insufficient to determine the role of this variant in disease. Therefore, it has been classified as a Variant of Uncertain Significance.